The following is an entry in ClinVar:

NM_001184.4(ATR):c.2271A>T (p.Gln757His)

Gene: ATR (ATR checkpoint kinase; minus strand). Cytogenetic location: 3q23.
Variant type: single nucleotide variant.
Coding change: c.2271A>T on transcript NM_001184.4 (MANE Select); coding-DNA position 2271, A replaced by T.
Protein change: p.Gln757His; replaces glutamine 757 with histidine.
Molecular consequence: missense variant.
Genome position (GRCh38, 1-based): chr3:142,555,947, T>A on the plus strand (A>T on the coding strand, the complement: ATR is on the minus strand). VCF-style: chr3-142555947-T-A. GRCh37 (hg19) VCF-style: chr3-142274789-T-A.
Other names: c.2079A>T, p.Gln693His (NM_001354579.2); short protein forms Q757H, Q693H.
Identifiers: ClinVar variation 1788788 (VCV001788788.2), dbSNP rs1403551625, ClinGen allele CA354818589.

ClinVar aggregate classification (germline): Uncertain significance (1 of 4 stars; one submission).

Conditions:
Inborn genetic diseases. Identifiers: MedGen C0950123, MeSH D030342.

Allele frequency attached by ClinVar (database versions not stated): TOPMed below 0.00001; gnomAD 0.00001.
gnomAD v4.1: 1 of 1,613,468 alleles (0.000062%); highest among the groups gnomAD compares: Non-Finnish European, 0.000085%; no homozygotes.

Submission:

Ambry Genetics
Classification: Uncertain significance for Inborn genetic diseases. Last evaluated: 2022-08-03. Review status: criteria provided, single submitter. Criteria: Ambry Variant Classification Scheme 2023. Collection method: clinical testing. Allele origin: germline.
Comment: The p.Q757H variant (also known as c.2271A>T), located in coding exon 10 of the ATR gene, results from an A to T substitution at nucleotide position 2271. The glutamine at codon 757 is replaced by histidine, an amino acid with highly similar properties. This amino acid position is conserved. In addition, this alteration is predicted to be tolerated by in silico analysis. Since supporting evidence is limited at this time, the clinical significance of this alteration remains unclear.